The following is an entry in ClinVar:

NM_014915.3(ANKRD26):c.2020-9_2020-6del

Gene: ANKRD26 (ankyrin repeat domain 26; minus strand). Cytogenetic location: 10p12.1.
Variant type: Microsatellite.
Coding change: c.2020-9_2020-6del on transcript NM_014915.3 (MANE Select); 9 bases into the intron before coding-DNA position 2020 through 6 bases into the intron before coding-DNA position 2020, 4 bases deleted (ATTT; older notation c.2020-9_2020-6delATTT).
Molecular consequence: intron variant.
Genome position (GRCh38, 1-based): chr10:27,043,573-27,043,576, AAAT deleted on the plus strand (ATTT on the coding strand, the reverse complement: ANKRD26 is on the minus strand); deleting any 4 consecutive bases within chr10:27,043,573-27,043,582 gives the same sequence; the c. name uses the placement nearest the transcript's 3' end. VCF-style (leftmost placement, unchanged base first): chr10-27043572-GAAAT-G. GRCh37 (hg19) VCF-style: chr10-27332501-GAAAT-G.
Other names: c.2017-9_2017-6del (NM_001256053.2).
Identifiers: ClinVar variation 3614097 (VCV003614097.3).

ClinVar aggregate classification (germline): Conflicting classifications of pathogenicity. Review status: criteria provided, conflicting classifications (1 of 4 stars). 2 submissions from 2 submitters: Uncertain significance (1); Likely benign (1). Last evaluated 2024-11-21.

Submissions (2):

GeneDx
Classification: Uncertain significance. Last evaluated: 2024-11-21. Review status: criteria provided, single submitter. Criteria: GeneDx Variant Classification Process June 2021. Collection method: clinical testing. Allele origin: germline. Affected: yes.
Comment: Not observed at significant frequency in large population cohorts (gnomAD); In silico analysis supports a deleterious effect on splicing; Has not been previously published as pathogenic or benign to our knowledge

Labcorp Genetics (formerly Invitae), Labcorp
Classification: Likely benign. Last evaluated: 2024-07-30. Review status: criteria provided, single submitter. Criteria: Invitae Variant Classification Sherloc (09022015). Collection method: clinical testing. Allele origin: germline.